The following is an entry in ClinVar:

NM_003476.5(CSRP3):c.50_51insGCAGATTTCTT (p.Tyr18fs)

Gene: CSRP3 (cysteine and glycine rich protein 3; minus strand). Cytogenetic location: 11p15.1.
Variant type: Insertion.
Coding change: c.50_51insGCAGATTTCTT on transcript NM_003476.5 (MANE Select); coding-DNA positions 50 to 51, GCAGATTTCTT inserted.
Protein change: p.Tyr18fs; shifts the reading frame from tyrosine 18.
Molecular consequence: frameshift variant.
Genome position: GRCh38 VCF-style: chr11-19192398-G-GAAGAAATCTGC. GRCh37 (hg19) VCF-style: chr11-19213945-G-GAAGAAATCTGC.
Other names: c.50_51insGCAGATTTCTT (NM_003476.3); c.50_51insGCAGATTTCTT, p.Tyr18fs (NM_001369404.1); short protein forms Y18fs.
Identifiers: ClinVar variation 1324182 (VCV001324182.9), dbSNP rs1336937886, ClinGen allele CA597473778.

ClinVar aggregate classification (germline): Pathogenic. Review status: criteria provided, multiple submitters, no conflicts (2 of 4 stars). 3 submissions from 3 submitters: Pathogenic (2). 1 of the submissions does not count toward it. Last evaluated 2024-07-10.

Conditions:
Cardiovascular phenotype. Identifiers: MedGen CN230736.
Hypertrophic cardiomyopathy 12. Identifiers: MedGen C2677491, MONDO:0012804, OMIM 612124.
Dilated cardiomyopathy 1M (CMD1M). Identifiers: Orphanet 154, MedGen C1843808, MONDO:0011840, OMIM 607482.

Submissions (3):

Ambry Genetics
Classification: Pathogenic for Cardiovascular phenotype. Last evaluated: 2024-07-10. Review status: criteria provided, single submitter. Criteria: Ambry Variant Classification Scheme 2023. Collection method: clinical testing. Allele origin: germline.
Comment: The c.50_51ins11 pathogenic mutation, located in coding exon 1 of the CSRP3 gene, results from an insertion of 11 nucleotides at position 50, causing a translational frameshift with a predicted alternate stop codon (p.Y18Qfs*194). This alteration is expected to result in loss of function by premature protein truncation or nonsense-mediated mRNA decay. As such, this alteration is interpreted as a disease-causing mutation; however, in the heterozygous state, this variant may present with reduced penetrance and expressivity.

Labcorp Genetics (formerly Invitae), Labcorp
Classification: Pathogenic for Hypertrophic cardiomyopathy 12; Dilated cardiomyopathy 1M. Last evaluated: 2024-06-15. Review status: criteria provided, single submitter. Criteria: Invitae Variant Classification Sherloc (09022015). Collection method: clinical testing. Allele origin: germline.
Comment: This sequence change results in a frameshift in the CSRP3 gene (p.Tyr18Glnfs*194). While this is not anticipated to result in nonsense mediated decay, it is expected to disrupt the last 177 amino acid(s) of the CSRP3 protein and extend the protein by 16 additional amino acid residues. This variant is present in population databases (no rsID available, gnomAD 0.007%). This frameshift has been observed in individual(s) with hypertrophic cardiomyopathy (PMID: 20087448). Experimental studies and prediction algorithms are not available or were not evaluated, and the functional significance of this variant is currently unknown. This variant disrupts a region of the CSRP3 protein in which other variant(s) (p.Cys150Tyr) have been determined to be pathogenic (PMID: 23396983, 25351510, 33035702). This suggests that this is a clinically significant region of the protein, and that variants that disrupt it are likely to be disease-causing. For these reasons, this variant has been classified as Pathogenic.

AiLife Diagnostics
Classification: Uncertain significance. Last evaluated: 2022-01-10. Review status: flagged submission. Criteria: ACMG Guidelines, 2015. Collection method: clinical testing. Allele origin: germline. Affected: yes. Observed: 1 variant allele. Not counted in ClinVar's aggregate classification.
ClinVar note: Reason: Older and outlier claim with insufficient supporting evidence

Literature cited by the submitters: PubMed 20087448 (cited by Labcorp Genetics (formerly Invitae), Labcorp and AiLife Diagnostics); PubMed 23396983 (cited by Labcorp Genetics (formerly Invitae), Labcorp); PubMed 25351510 (cited by Labcorp Genetics (formerly Invitae), Labcorp); PubMed 33035702 (cited by Labcorp Genetics (formerly Invitae), Labcorp); PubMed 30012424 (cited by AiLife Diagnostics).